The following is an entry in ClinVar:

NM_000329.3(RPE65):c.1415_1416del (p.Phe472fs)

Gene: RPE65 (retinoid isomerohydrolase RPE65; minus strand). Cytogenetic location: 1p31.3.
Variant type: Deletion.
Coding change: c.1415_1416del on transcript NM_000329.3 (MANE Select); coding-DNA positions 1415 to 1416, 2 bases deleted (TT; older notation c.1415_1416delTT).
Protein change: p.Phe472fs; shifts the reading frame from phenylalanine 472.
Molecular consequence: frameshift variant.
Genome position (GRCh38, 1-based): chr1:68,431,099-68,431,100, AA deleted on the plus strand (TT on the coding strand, the reverse complement: RPE65 is on the minus strand); deleting any 2 consecutive bases within chr1:68,431,099-68,431,101 gives the same sequence; the c. name uses the placement nearest the transcript's 3' end. VCF-style (leftmost placement, unchanged base first): chr1-68431098-CAA-C. GRCh37 (hg19) VCF-style: chr1-68896781-CAA-C.
Other names: c.1307_1308del, p.Phe436fs (NM_001406853.1); c.1139_1140del, p.Phe380fs (NM_001406856.1, NM_001406857.1); short protein forms F380fs, F436fs, F472fs.
Identifiers: ClinVar variation 3757393 (VCV003757393.2).

ClinVar aggregate classification (germline): Pathogenic (1 of 4 stars; one submission).

Conditions:
Retinitis pigmentosa 20 (RP20). Identifiers: Orphanet 791, MedGen C3151086, MONDO:0013425, OMIM 613794.
Leber congenital amaurosis 2 (LCA2). Also called: AMAUROSIS CONGENITA OF LEBER II; Autosomal Recessive RPE65-Related Retinal Degeneration. Identifiers: Orphanet 65, MedGen C1859844, MONDO:0008765, OMIM 204100. Disease mechanism: loss of function.

Submission:

Labcorp Genetics (formerly Invitae), Labcorp
Classification: Pathogenic for Leber congenital amaurosis 2; Retinitis pigmentosa 20. Last evaluated: 2024-07-24. Review status: criteria provided, single submitter. Criteria: Invitae Variant Classification Sherloc (09022015). Collection method: clinical testing. Allele origin: germline.
Comment: This sequence change creates a premature translational stop signal (p.Phe472Cysfs*11) in the RPE65 gene. While this is not anticipated to result in nonsense mediated decay, it is expected to disrupt the last 62 amino acid(s) of the RPE65 protein. This variant is not present in population databases (gnomAD no frequency). This variant has not been reported in the literature in individuals affected with RPE65-related conditions. This variant disrupts a region of the RPE65 protein in which other variant(s) (p.Arg515Trp) have been determined to be pathogenic (PMID: 15557452, 25495949, 25752820, 31273949). This suggests that this is a clinically significant region of the protein, and that variants that disrupt it are likely to be disease-causing. For these reasons, this variant has been classified as Pathogenic.

Literature cited by the submitters: PubMed 15557452; PubMed 25495949; PubMed 25752820; PubMed 31273949.